The following is an entry in ClinVar:

NM_003055.3(SLC18A3):c.841C>G (p.Pro281Ala)

Genes: CHAT (choline O-acetyltransferase; plus strand), SLC18A3 (solute carrier family 18 member A3; plus strand). Cytogenetic location: 10q11.23.
Variant type: single nucleotide variant.
Coding change: c.841C>G on transcript NM_003055.3 (MANE Select); coding-DNA position 841, C replaced by G.
Protein change: p.Pro281Ala; replaces proline 281 with alanine.
Molecular consequence: missense variant. On other transcripts: intron variant (1).
Genome position (GRCh38, 1-based): chr10:49,611,581, C>G. VCF-style: chr10-49611581-C-G. GRCh37 (hg19) VCF-style: chr10-50819627-C-G.
Other names: c.-69+2382C>G (NM_020984.4); short protein forms P281A.
Identifiers: ClinVar variation 2188929 (VCV002188929.2), dbSNP rs375261898, ClinGen allele CA5496850.

ClinVar aggregate classification (germline): Uncertain significance. Review status: criteria provided, multiple submitters, no conflicts (2 of 4 stars). 2 submissions from 2 submitters: Uncertain significance (2). Last evaluated 2024-03-19.

Conditions:
Inborn genetic diseases. Identifiers: MedGen C0950123, MeSH D030342.

Allele frequency attached by ClinVar (database versions not stated): gnomAD 0.00014; ExAC 0.00002; ESP Exome Variant Server 0.00008; TOPMed 0.00021; gnomAD exomes 0.00001.
gnomAD v4.1: 29 of 1,608,670 alleles (0.0018%); highest among the groups gnomAD compares: African/African-American, 0.031%; no homozygotes.

Submissions (2):

Ambry Genetics
Classification: Uncertain significance for Inborn genetic diseases. Last evaluated: 2024-03-19. Review status: criteria provided, single submitter. Criteria: Ambry Variant Classification Scheme 2023. Collection method: clinical testing. Allele origin: germline.

Labcorp Genetics (formerly Invitae), Labcorp
Classification: Uncertain significance. Last evaluated: 2022-08-20. Review status: criteria provided, single submitter. Criteria: Invitae Variant Classification Sherloc (09022015). Collection method: clinical testing. Allele origin: germline.
Comment: This sequence change replaces proline, which is neutral and non-polar, with alanine, which is neutral and non-polar, at codon 281 of the SLC18A3 protein (p.Pro281Ala). This variant is present in population databases (rs375261898, gnomAD 0.04%). This variant has not been reported in the literature in individuals affected with SLC18A3-related conditions. Algorithms developed to predict the effect of missense changes on protein structure and function (SIFT, PolyPhen-2, Align-GVGD) all suggest that this variant is likely to be disruptive. In summary, the available evidence is currently insufficient to determine the role of this variant in disease. Therefore, it has been classified as a Variant of Uncertain Significance.